The following is an entry in ClinVar:

NM_080680.3(COL11A2):c.4750+286C>T

Gene: COL11A2 (collagen type XI alpha 2 chain; minus strand). Cytogenetic location: 6p21.32.
Variant type: single nucleotide variant.
Coding change: c.4750+286C>T on transcript NM_080680.3 (MANE Select); 286 bases into the intron after coding-DNA position 4750, C replaced by T.
Molecular consequence: intron variant.
Genome position (GRCh38, 1-based): chr6:33,165,263, G>A on the plus strand (C>T on the coding strand, the complement: COL11A2 is on the minus strand). VCF-style: chr6-33165263-G-A. GRCh37 (hg19) VCF-style: chr6-33133040-G-A.
Other names: c.4429+286C>T (NM_080679.3); c.4492+286C>T (NM_080681.3).
Identifiers: ClinVar variation 668710 (VCV000668710.1), dbSNP rs79131379, ClinGen allele CA16261458.

ClinVar aggregate classification (germline): Benign (1 of 4 stars; one submission).

Allele frequency attached by ClinVar (database versions not stated): gnomAD 0.05857 and 0.06360; TOPMed 0.06467; 1000 Genomes Project 30x 0.11040; 1000 Genomes Project 0.11402.
gnomAD v4.1: 9,698 of 152,182 alleles (6.4%); highest among the groups gnomAD compares: East Asian, 24%; 486 homozygotes.

Submission:

GeneDx
Classification: Benign. Last evaluated: 2018-06-19. Review status: criteria provided, single submitter. Criteria: GeneDx Variant Classification (06012015). Collection method: clinical testing. Allele origin: germline. Affected: yes.
Comment: This variant is considered likely benign or benign based on one or more of the following criteria: it is a conservative change, it occurs at a poorly conserved position in the protein, it is predicted to be benign by multiple in silico algorithms, and/or has population frequency not consistent with disease.